The following is an entry in ClinVar:

ClinVar aggregate classification (germline): Benign (1 of 4 stars; one submission).

Conditions:
Megalencephalic leukoencephalopathy with subcortical cysts 1 (MLC1). Also called: LEUKOENCEPHALOPATHY WITH SWELLING AND CYSTS; VACUOLATING MEGALENCEPHALIC LEUKOENCEPHALOPATHY WITH SUBCORTICAL CYSTS. Identifiers: Orphanet 2478, MedGen C5779875, MONDO:0024555, OMIM 604004.

Allele frequency attached by ClinVar (database versions not stated): gnomAD 0.00039 and 0.00041; gnomAD exomes 0.00763; TOPMed 0.17205; 1000 Genomes Project 0.17931.

Submission:

Illumina Laboratory Services, Illumina
Classification: Benign for Megalencephalic leukoencephalopathy with subcortical cysts 1. Last evaluated: 2018-01-12. Review status: criteria provided, single submitter. Criteria: ICSL Variant Classification Criteria 13 December 2019. Collection method: clinical testing. Allele origin: germline.
Comment: This variant was observed in the ICSL laboratory as part of a predisposition screen in an ostensibly healthy population. It had not been previously curated by ICSL or reported in the Human Gene Mutation Database (HGMD: prior to June 1st, 2018), and was therefore a candidate for classification through an automated scoring system. Utilizing variant allele frequency, disease prevalence and penetrance estimates, and inheritance mode, an automated score was calculated to assess if this variant is too frequent to cause the disease. Based on the score and internal cut-off values, a variant classified as benign is not then subjected to further curation. The score for this variant resulted in a classification of benign for this disease.

NM_015166.4(MLC1):c.*773G>A

Gene: MLC1 (modulator of VRAC current 1; minus strand). Cytogenetic location: 22q13.33.
Variant type: single nucleotide variant.
Coding change: c.*773G>A on transcript NM_015166.4 (MANE Select); 773 bases downstream of the stop codon, G replaced by A.
Molecular consequence: 3 prime UTR variant. On other transcripts: intron variant (2).
Genome position (GRCh38, 1-based): chr22:50,060,810, C>T on the plus strand (G>A on the coding strand, the complement: MLC1 is on the minus strand). VCF-style: chr22-50060810-C-T. GRCh37 (hg19) VCF-style: chr22-50499239-C-T.
Other names: c.*773G>A (NM_001376472.1, NM_001376473.1, NM_001376474.1 and 9 more transcripts); c.*46-658G>A (NM_001376478.1, NM_001376477.1).
Identifiers: ClinVar variation 342093 (VCV000342093.5), dbSNP rs4838880, ClinGen allele CA10651499.